The following is an entry in ClinVar:

NM_016824.5(ADD3):c.1696A>G (p.Lys566Glu)

Gene: ADD3 (adducin 3; plus strand). Cytogenetic location: 10q25.2.
Variant type: single nucleotide variant.
Coding change: c.1696A>G on transcript NM_016824.5 (MANE Select); coding-DNA position 1696, A replaced by G.
Protein change: p.Lys566Glu; replaces lysine 566 with glutamic acid.
Molecular consequence: missense variant.
Genome position (GRCh38, 1-based): chr10:110,130,450, A>G. VCF-style: chr10-110130450-A-G. GRCh37 (hg19) VCF-style: chr10-111890208-A-G.
Other names: c.1696A>G, p.Lys566Glu (NM_001121.4, NM_001320591.2, NM_001320592.2 and 2 more transcripts); c.1462A>G, p.Lys488Glu (NM_001320594.2); short protein forms K488E, K566E.
Identifiers: ClinVar variation 5008541 (VCV005008541.1).

ClinVar aggregate classification (germline): Uncertain significance (1 of 4 stars; one submission).

Submission:

GeneDx
Classification: Uncertain significance. Last evaluated: 2026-03-04. Review status: criteria provided, single submitter. Criteria: GeneDx Variant Classification Process June 2021. Collection method: clinical testing. Allele origin: germline.
Comment: Not observed at significant frequency in large population cohorts (gnomAD); In silico analysis suggests that this missense variant does not alter protein structure/function; Has not been previously published as pathogenic or benign to our knowledge